The following is an entry in ClinVar:

ClinVar aggregate classification (germline): Uncertain significance (1 of 4 stars; one submission).

Submission:

GeneDx
Classification: Uncertain significance. Last evaluated: 2025-04-08. Review status: criteria provided, single submitter. Criteria: GeneDx Variant Classification Process June 2021. Collection method: clinical testing. Allele origin: germline. Affected: yes.
Comment: Not observed at significant frequency in large population cohorts (gnomAD); In silico analysis indicates that this missense variant does not alter protein structure/function; Has not been previously published as pathogenic or benign to our knowledge

NM_002471.4(MYH6):c.2953G>A (p.Ala985Thr)

Gene: MYH6 (myosin heavy chain 6; minus strand). Cytogenetic location: 14q11.2.
Variant type: single nucleotide variant.
Coding change: c.2953G>A on transcript NM_002471.4 (MANE Select); coding-DNA position 2953, G replaced by A.
Protein change: p.Ala985Thr; replaces alanine 985 with threonine.
Molecular consequence: missense variant.
Genome position (GRCh38, 1-based): chr14:23,393,494, C>T on the plus strand (G>A on the coding strand, the complement: MYH6 is on the minus strand). VCF-style: chr14-23393494-C-T. GRCh37 (hg19) VCF-style: chr14-23862703-C-T.
Other names: short protein forms A985T.
Identifiers: ClinVar variation 4281981 (VCV004281981.1).